The following is an entry in ClinVar:

ClinVar aggregate classification (germline): Pathogenic/Likely pathogenic. Review status: criteria provided, multiple submitters, no conflicts (2 of 4 stars). 2 submissions from 2 submitters: Pathogenic (1); Likely pathogenic (1). Last evaluated 2025-09-27.

Conditions:
Corneal dystrophy-perceptive deafness syndrome (CDPD). Also called: CORNEAL DYSTROPHY AND SENSORINEURAL DEAFNESS; HARBOYAN SYNDROME. Identifiers: Orphanet 1490, MedGen C1857572, MONDO:0009015, OMIM 217400.
Congenital hereditary endothelial dystrophy of cornea. Also called: Congenital hereditary endothelial dystrophy type II; CORNEAL DYSTROPHY, CONGENITAL HEREDITARY ENDOTHELIAL; Corneal endothelial dystrophy, autosomal recessive; Congenital hereditary endothelial dystrophy of the cornea; Maumenee corneal dystrophy. Identifiers: Orphanet 293603, MedGen C1857569, MONDO:0009019, OMIM 217700.
Corneal dystrophy, Fuchs endothelial, 4 (FECD4). Identifiers: Orphanet 98974, MedGen C2750450, MONDO:0013204, OMIM 613268.

Submissions (2):

Labcorp Genetics (formerly Invitae), Labcorp
Classification: Pathogenic. Last evaluated: 2025-09-27. Review status: criteria provided, single submitter. Criteria: Invitae Variant Classification Sherloc (09022015). Collection method: clinical testing. Allele origin: germline.
Comment: This sequence change creates a premature translational stop signal (p.Tyr785Trpfs*93) in the SLC4A11 gene. While this is not anticipated to result in nonsense mediated decay, it is expected to disrupt the last 107 amino acid(s) of the SLC4A11 protein. This variant is not present in population databases (gnomAD no frequency). This variant has not been reported in the literature in individuals affected with SLC4A11-related conditions. ClinVar contains an entry for this variant (Variation ID: 1066524). This variant disrupts a region of the SLC4A11 protein in which other variant(s) (p.Arg875*) have been determined to be pathogenic (PMID: 17679935, 31420327). This suggests that this is a clinically significant region of the protein, and that variants that disrupt it are likely to be disease-causing. For these reasons, this variant has been classified as Pathogenic.

Fulgent Genetics
Classification: Likely pathogenic for Corneal dystrophy-perceptive deafness syndrome; Congenital hereditary endothelial dystrophy of cornea; Corneal dystrophy, Fuchs endothelial, 4. Last evaluated: 2024-03-08. Review status: criteria provided, single submitter. Criteria: ACMG Guidelines, 2015. Collection method: clinical testing. Allele origin: germline.

Literature cited by the submitters: PubMed 17679935 (cited by Labcorp Genetics (formerly Invitae), Labcorp); PubMed 31420327 (cited by Labcorp Genetics (formerly Invitae), Labcorp).

NM_001174089.2(SLC4A11):c.2306_2307del (p.Tyr769fs)

Gene: SLC4A11 (solute carrier family 4 member 11; minus strand). Cytogenetic location: 20p13.
Variant type: Deletion.
Coding change: c.2306_2307del on transcript NM_001174089.2 (MANE Select); coding-DNA positions 2306 to 2307, 2 bases deleted (AT; older notation c.2306_2307delAT).
Protein change: p.Tyr769fs; shifts the reading frame from tyrosine 769.
Molecular consequence: frameshift variant. On other transcripts: non-coding transcript variant (1).
Genome position (GRCh38, 1-based): chr20:3,228,593-3,228,594, AT deleted on the plus strand (AT on the coding strand, the reverse complement: SLC4A11 is on the minus strand); deleting any 2 consecutive bases within chr20:3,228,593-3,228,595 gives the same sequence; the c. name uses the placement nearest the transcript's 3' end. VCF-style (leftmost placement, unchanged base first): chr20-3228592-CAT-C. GRCh37 (hg19) VCF-style: chr20-3209238-CAT-C.
Other names: c.2435_2436del, p.Tyr812fs (NM_001174090.2); c.2192_2193del, p.Tyr731fs (NM_001363745.2); c.2354_2355del, p.Tyr785fs (NM_032034.4); c.2354_2355del (NM_032034.3); short protein forms Y731fs, Y769fs, Y785fs, Y812fs.
Identifiers: ClinVar variation 1066524 (VCV001066524.10), dbSNP rs2122503902, ClinGen allele CA2499225708.